The following is an entry in ClinVar:

NM_033026.6(PCLO):c.4651G>A (p.Glu1551Lys)

Gene: PCLO (piccolo presynaptic cytomatrix protein; minus strand). Cytogenetic location: 7q21.11.
Variant type: single nucleotide variant.
Coding change: c.4651G>A on transcript NM_033026.6 (MANE Select); coding-DNA position 4651, G replaced by A.
Protein change: p.Glu1551Lys; replaces glutamic acid 1551 with lysine.
Molecular consequence: missense variant.
Genome position (GRCh38, 1-based): chr7:82,956,302, C>T on the plus strand (G>A on the coding strand, the complement: PCLO is on the minus strand). VCF-style: chr7-82956302-C-T. GRCh37 (hg19) VCF-style: chr7-82585618-C-T.
Other names: c.4651G>A (NM_033026.5); c.4651G>A, p.Glu1551Lys (NM_014510.3); short protein forms E1551K.
Identifiers: ClinVar variation 1420192 (VCV001420192.4), dbSNP rs1390343890, ClinGen allele CA367926299.

ClinVar aggregate classification (germline): Uncertain significance. Review status: criteria provided, multiple submitters, no conflicts (2 of 4 stars). 2 submissions from 2 submitters: Uncertain significance (2). Last evaluated 2025-09-09.

Conditions:
Inborn genetic diseases. Identifiers: MedGen C0950123, MeSH D030342.

Allele frequency attached by ClinVar (database versions not stated): gnomAD exomes below 0.00001 and 0.00001.
gnomAD v4.1: 7 of 1,612,942 alleles (0.00043%); highest among the groups gnomAD compares: Admixed American, 0.005%; no homozygotes.

Submissions (2):

Ambry Genetics
Classification: Uncertain significance for Inborn genetic diseases. Last evaluated: 2025-09-09. Review status: criteria provided, single submitter. Criteria: Ambry Variant Classification Scheme 2023. Collection method: clinical testing. Allele origin: germline.

Labcorp Genetics (formerly Invitae), Labcorp
Classification: Uncertain significance. Last evaluated: 2022-11-01. Review status: criteria provided, single submitter. Criteria: Invitae Variant Classification Sherloc (09022015). Collection method: clinical testing. Allele origin: germline.
Comment: This sequence change replaces glutamic acid, which is acidic and polar, with lysine, which is basic and polar, at codon 1551 of the PCLO protein (p.Glu1551Lys). This variant is present in population databases (no rsID available, gnomAD 0.006%). This variant has not been reported in the literature in individuals affected with PCLO-related conditions. ClinVar contains an entry for this variant (Variation ID: 1420192). Algorithms developed to predict the effect of missense changes on protein structure and function are either unavailable or do not agree on the potential impact of this missense change (SIFT: "Deleterious"; PolyPhen-2: "Not Available"; Align-GVGD: "Class C0"). In summary, the available evidence is currently insufficient to determine the role of this variant in disease. Therefore, it has been classified as a Variant of Uncertain Significance.